The following is an entry in ClinVar:

NM_001009944.3(PKD1):c.4073C>T (p.Ala1358Val)

Gene: PKD1 (polycystin 1, transient receptor potential channel interacting; minus strand). Cytogenetic location: 16p13.3.
Variant type: single nucleotide variant.
Coding change: c.4073C>T on transcript NM_001009944.3 (MANE Select); coding-DNA position 4073, C replaced by T.
Protein change: p.Ala1358Val; replaces alanine 1358 with valine.
Molecular consequence: missense variant.
Genome position (GRCh38, 1-based): chr16:2,111,094, G>A on the plus strand (C>T on the coding strand, the complement: PKD1 is on the minus strand). VCF-style: chr16-2111094-G-A. GRCh37 (hg19) VCF-style: chr16-2161095-G-A.
Other names: c.4073C>T, p.Ala1358Val (NM_000296.4); short protein forms A1358V.
Identifiers: ClinVar variation 2507105 (VCV002507105.3), dbSNP rs376991027, ClinGen allele CA7832497.

ClinVar aggregate classification (germline): Uncertain significance. Review status: criteria provided, multiple submitters, no conflicts (2 of 4 stars). 3 submissions from 3 submitters: Uncertain significance (3). Last evaluated 2026-04-25.

Conditions:
Autosomal dominant polycystic kidney disease. Identifiers: Orphanet 730, MedGen C0085413, MONDO:0004691.
PKD1-related disorder. Also called: PKD1-related condition.

Allele frequency attached by ClinVar (database versions not stated): gnomAD exomes 0.00015; ESP Exome Variant Server 0.00023.
gnomAD v4.1: 223 of 1,610,580 alleles (0.014%); highest among the groups gnomAD compares: Non-Finnish European, 0.018%; 1 homozygote.

Submissions (3):

PreventionGenetics, part of Exact Sciences
Classification: Uncertain significance for PKD1-related condition. Last evaluated: 2026-04-25. Review status: criteria provided, single submitter. Criteria: ACMG Guidelines, 2015. Collection method: clinical testing. Allele origin: germline.
Comment: The PKD1 c.4073C>T variant is predicted to result in the amino acid substitution p.Ala1358Val. To our knowledge, this variant has not been reported in the literature. This variant is reported in 0.012% of alleles in individuals of European (Finnish) descent in gnomAD, which may be too common to be a primary cause of disease. Although we suspect that this variant may be benign, at this time, the clinical significance of this variant is uncertain due to the absence of conclusive functional and genetic evidence.

Molecular Genetics, Royal Melbourne Hospital
Classification: Uncertain significance for Autosomal dominant polycystic kidney disease. Last evaluated: 2024-05-02. Review status: criteria provided, single submitter. Criteria: ACMG Guidelines, 2015. Collection method: clinical testing. Allele origin: germline. Inheritance: Autosomal dominant inheritance. Affected: yes.
Comment: This sequence change in PKD1 is predicted to replace alanine with valine at codon 1358, p.(Ala1358Val). The alanine residue is weakly conserved (100 vertebrates, Multiz Alignments), and is located in the extracellular domain. There is a moderate physicochemical difference between alanine and valine. The highest population minor allele frequency in the population database gnomAD v4.0 is 0.02% (210/1,179,768 alleles) in the European (non-Finnish) population. This variant has been observed in an individual with polycystic kidney disease in cis with a pathogenic frameshift variant in IFT140 (PMID: 34890546). Computational evidence predicts a benign effect for the missense substitution (REVEL = 0.131). Based on the classification scheme RMH Modified ACMG/AMP Guidelines v1.6.1, this variant is classified as a VARIANT OF UNCERTAIN SIGNIFICANCE. Following criteria are met: BP4

GeneDx
Classification: Uncertain significance. Last evaluated: 2023-06-29. Review status: criteria provided, single submitter. Criteria: GeneDx Variant Classification Process June 2021. Collection method: clinical testing. Allele origin: germline. Affected: yes.
Comment: Reported in multiple individuals from a single family with polycystic kidney disease in published literature (Senum et al., 2022); these individuals also had an IFT140 variant that segregated with the phenotype; In silico analysis supports that this missense variant does not alter protein structure/function; This variant is associated with the following publications: (PMID: 34890546)

Literature cited by the submitters: PubMed 34890546 (cited by Molecular Genetics, Royal Melbourne Hospital).